The following is an entry in ClinVar:

ClinVar aggregate classification (germline): Pathogenic (3 of 4 stars; one submission).

Conditions:
Glanzmann thrombasthenia. Also called: BLEEDING DISORDER, PLATELET-TYPE, 2; THROMBASTHENIA OF GLANZMANN AND NAEGELI; Thrombasthenia; Glanzmann's thrombasthenia; PLATELET GLYCOPROTEIN IIb-IIIa DEFICIENCY. Identifiers: Orphanet 849, MedGen C0040015, MONDO:0100326.

Submission:

ClinGen Platelet Disorders Variant Curation Expert Panel, ClinGen
Classification: Pathogenic for Glanzmann thrombasthenia. Last evaluated: 2024-10-15. Review status: reviewed by expert panel. Criteria: ClinGen Platelet ACMG Specifications v2-1. Collection method: curation. Allele origin: germline. Inheritance: Autosomal recessive inheritance.
Comment: The c.188+1G>A variant in ITGA2B occurs within the canonical splice donor site of intron 1. It is predicted to introduce a premature stop codon in intron 1, leading to nonsense mediated decay in a gene in which loss-of-function is an established disease mechanism (PVS1; PMID: 36672149). AAt least one patient (Patient 1 in PMID: 36672149) with this variant displayed mucocutaneous bleeding and impaired aggregation with all agonists except ristocetin, which is highly specific for Glanzmann thrombasthenia (PP4_Moderate). Additionally, there was absence of GPIIbIIIa platelet surface expression by flow cytometry. The highest population minor allele frequency in gnomAD v4.1.0 is 0.00001098 (1/91088 alleles) in the South Asian population, which is lower than the ClinGen PD VCEP threshold (<0.0001; PM2_Supporting). In summary, this variant meets the criteria to be classified as Pathogenic for autosomal recessive Glanzmann Thrombasthenia based on the ACMG/AMP criteria applied, as specified by the ClinGen PD VCEP: PVS1, PP4_Moderate, PM2_Supporting, and PM3_Supportin.

NM_000419.5(ITGA2B):c.188+1G>A

Gene: ITGA2B (integrin subunit alpha 2b; minus strand). Cytogenetic location: 17q21.31.
Variant type: single nucleotide variant.
Coding change: c.188+1G>A on transcript NM_000419.5 (MANE Select); the canonical splice donor site of the intron after coding-DNA position 188, G replaced by A.
Molecular consequence: splice donor variant.
Genome position (GRCh38, 1-based): chr17:44,389,285, C>T on the plus strand (G>A on the coding strand, the complement: ITGA2B is on the minus strand). VCF-style: chr17-44389285-C-T. GRCh37 (hg19) VCF-style: chr17-42466653-C-T.
Other names: NM_000419.5:c.188+1G>A.
Identifiers: ClinVar variation 3391410 (VCV003391410.1).